The following is an entry in ClinVar:

NM_007194.4(CHEK2):c.362G>T (p.Cys121Phe)

Gene: CHEK2 (checkpoint kinase 2; minus strand). Cytogenetic location: 22q12.1.
Variant type: single nucleotide variant.
Coding change: c.362G>T on transcript NM_007194.4 (MANE Select); coding-DNA position 362, G replaced by T.
Protein change: p.Cys121Phe; replaces cysteine 121 with phenylalanine.
Molecular consequence: missense variant.
Genome position (GRCh38, 1-based): chr22:28,725,325, C>A on the plus strand (G>T on the coding strand, the complement: CHEK2 is on the minus strand). VCF-style: chr22-28725325-C-A. GRCh37 (hg19) VCF-style: chr22-29121313-C-A.
Other names: c.491G>T, p.Cys164Phe (NM_001005735.3); c.-416G>T (NM_001257387.3); c.362G>T, p.Cys121Phe (NM_001349956.3, NM_145862.3); short protein forms C121F, C164F.
Identifiers: ClinVar variation 491614 (VCV000491614.16), dbSNP rs777887044, ClinGen allele CA10168013.

ClinVar aggregate classification (germline): Uncertain significance. Review status: criteria provided, multiple submitters, no conflicts (2 of 4 stars). 3 submissions from 3 submitters: Uncertain significance (3). Last evaluated 2025-03-14.

Conditions:
Hereditary cancer-predisposing syndrome. Also called: Hereditary neoplastic syndrome; Tumor predisposition; Hereditary Cancer Syndrome; Neoplastic Syndromes, Hereditary. Identifiers: Orphanet 140162, MedGen C0027672, MeSH D009386, MONDO:0015356.
Familial cancer of breast. Also called: Hereditary breast cancer; hereditary breast carcinoma; BREAST CANCER, FAMILIAL. Identifiers: Orphanet 227535, MedGen C0346153, MONDO:0016419, OMIM 114480. Disease mechanism: loss of function.

Allele frequency attached by ClinVar (database versions not stated): gnomAD exomes below 0.00001; ExAC 0.00001.

Submissions (3):

Ambry Genetics
Classification: Uncertain significance for Hereditary cancer-predisposing syndrome. Last evaluated: 2025-03-14. Review status: criteria provided, single submitter. Criteria: Ambry Variant Classification Scheme 2023. Collection method: clinical testing. Allele origin: germline.
Comment: The p.C121F variant (also known as c.362G>T), located in coding exon 2 of the CHEK2 gene, results from a G to T substitution at nucleotide position 362. The cysteine at codon 121 is replaced by phenylalanine, an amino acid with highly dissimilar properties. This amino acid position is conserved. In addition, this alteration is predicted to be deleterious by in silico analysis. Since supporting evidence is limited at this time, the clinical significance of this alteration remains unclear.

Color Diagnostics, LLC DBA Color Health
Classification: Uncertain significance for Hereditary cancer-predisposing syndrome. Last evaluated: 2023-12-04. Review status: criteria provided, single submitter. Criteria: ACMG Guidelines, 2015. Collection method: clinical testing. Allele origin: germline.
Comment: This missense variant replaces cysteine with phenylalanine at codon 121 of the CHEK2 protein. Computational prediction suggests that this variant may have deleterious impact on protein structure and function (internally defined REVEL score threshold >= 0.7, PMID: 27666373). To our knowledge, functional studies have not been reported for this variant. This variant has not been reported in individuals affected with CHEK2-related disorders in the literature. This variant has not been identified in the general population by the Genome Aggregation Database (gnomAD). The available evidence is insufficient to determine the role of this variant in disease conclusively. Therefore, this variant is classified as a Variant of Uncertain Significance.

Labcorp Genetics (formerly Invitae), Labcorp
Classification: Uncertain significance for Familial cancer of breast. Last evaluated: 2020-10-29. Review status: criteria provided, single submitter. Criteria: Invitae Variant Classification Sherloc (09022015). Collection method: clinical testing. Allele origin: germline.
Comment: This variant is present in population databases (rs777887044, ExAC 0.001%). In summary, the available evidence is currently insufficient to determine the role of this variant in disease. Therefore, it has been classified as a Variant of Uncertain Significance. Algorithms developed to predict the effect of missense changes on protein structure and function (SIFT, PolyPhen-2, Align-GVGD) all suggest that this variant is likely to be disruptive, but these predictions have not been confirmed by published functional studies and their clinical significance is uncertain. This variant has not been reported in the literature in individuals with CHEK2-related conditions. ClinVar contains an entry for this variant (Variation ID: 491614). This sequence change replaces cysteine with phenylalanine at codon 121 of the CHEK2 protein (p.Cys121Phe). The cysteine residue is highly conserved and there is a large physicochemical difference between cysteine and phenylalanine.